The following is an entry in ClinVar:

NM_001367624.2(ZNF469):c.1712C>T (p.Ser571Leu)

Gene: ZNF469 (zinc finger protein 469; plus strand). Cytogenetic location: 16q24.2.
Variant type: single nucleotide variant.
Coding change: c.1712C>T on transcript NM_001367624.2 (MANE Select); coding-DNA position 1712, C replaced by T.
Protein change: p.Ser571Leu; replaces serine 571 with leucine.
Molecular consequence: missense variant.
Genome position (GRCh38, 1-based): chr16:88,429,182, C>T. VCF-style: chr16-88429182-C-T. GRCh37 (hg19) VCF-style: chr16-88495590-C-T.
Other names: NM_001127464.1:c.1712C>T; short protein forms S571L.
Identifiers: ClinVar variation 2419234 (VCV002419234.4), dbSNP rs1255681916, ClinGen allele CA397068201.

ClinVar aggregate classification (germline): Conflicting classifications of pathogenicity. Review status: criteria provided, conflicting classifications (1 of 4 stars). 2 submissions from 2 submitters: Uncertain significance (1); Likely benign (1). Last evaluated 2025-11-24.

Conditions:
Cardiovascular phenotype. Identifiers: MedGen CN230736.

Allele frequency attached by ClinVar (database versions not stated): gnomAD 0.00001; gnomAD exomes 0.00001; TOPMed 0.00001.
gnomAD v4.1: 11 of 1,549,800 alleles (0.00071%); highest among the groups gnomAD compares: Admixed American, 0.02%; no homozygotes.

Submissions (2):

Labcorp Genetics (formerly Invitae), Labcorp
Classification: Uncertain significance. Last evaluated: 2025-11-24. Review status: criteria provided, single submitter. Criteria: Invitae Variant Classification Sherloc (09022015). Collection method: clinical testing. Allele origin: germline.
Comment: This sequence change replaces serine, which is neutral and polar, with leucine, which is neutral and non-polar, at codon 571 of the ZNF469 protein (p.Ser571Leu). This variant is present in population databases (no rsID available, gnomAD 0.03%). This variant has not been reported in the literature in individuals affected with ZNF469-related conditions. ClinVar contains an entry for this variant (Variation ID: 2419234). An algorithm developed to predict the effect of missense changes on protein structure and function (PolyPhen-2) suggests that this variant is likely to be tolerated. In summary, the available evidence is currently insufficient to determine the role of this variant in disease. Therefore, it has been classified as a Variant of Uncertain Significance.

Ambry Genetics
Classification: Likely benign for Cardiovascular phenotype. Last evaluated: 2024-02-18. Review status: criteria provided, single submitter. Criteria: Ambry Variant Classification Scheme 2023. Collection method: clinical testing. Allele origin: germline.